The following is an entry in ClinVar:

NM_005585.5(SMAD6):c.2T>C (p.Met1Thr)

Gene: SMAD6 (SMAD family member 6; plus strand). Cytogenetic location: 15q22.31.
Variant type: single nucleotide variant.
Coding change: c.2T>C on transcript NM_005585.5 (MANE Select); coding-DNA position 2, T replaced by C.
Protein change: p.Met1Thr; changes the start codon (methionine 1).
Molecular consequence: missense variant, initiator codon variant. On other transcripts: non-coding transcript variant (1).
Genome position (GRCh38, 1-based): chr15:66,703,260, T>C. VCF-style: chr15-66703260-T-C. GRCh37 (hg19) VCF-style: chr15-66995598-T-C.
Other names: c.2T>C (NM_005585.4); short protein forms M1T.
Identifiers: ClinVar variation 1174559 (VCV001174559.32), dbSNP rs1409145798, ClinGen allele CA392948214.

ClinVar aggregate classification (germline): Conflicting classifications of pathogenicity. Review status: criteria provided, conflicting classifications (1 of 4 stars). 4 submissions from 4 submitters: Likely pathogenic (1); Uncertain significance (2). 1 of the submissions does not count toward it. Last evaluated 2024-09-11.

Conditions:
Aortic valve disease 2 (AOVD2). Identifiers: MedGen C3542024, MONDO:0013902, OMIM 614823.
Polydactyly. Also called: polydactylism. Identifiers: MedGen C0152427, MONDO:0021003, OMIM 603596, HP:0010442.
Radioulnar synostosis. Also called: Congenital radioulnar synostosis. Identifiers: Orphanet 3269, MedGen C0158761, MONDO:0017985, HP:0002974.

Allele frequency attached by ClinVar (database versions not stated): gnomAD 0.00001.

Submissions (4):

GeneDx
Classification: Likely pathogenic. Last evaluated: 2024-09-11. Review status: criteria provided, single submitter. Criteria: GeneDx Variant Classification Process June 2021. Collection method: clinical testing. Allele origin: germline. Affected: yes.
Comment: Identified in a proband and father with bilateral radioulnar synostosis; this variant was also identified in the reportedly unaffected paternal grandmother (PMID: 34953066); Initiation codon variant in a gene for which loss of function is a known mechanism of disease; Not observed at significant frequency in large population cohorts (gnomAD); This variant is associated with the following publications: (PMID: 34953066)

Labcorp Genetics (formerly Invitae), Labcorp
Classification: Uncertain significance for Aortic valve disease 2. Last evaluated: 2024-01-17. Review status: criteria provided, single submitter. Criteria: Invitae Variant Classification Sherloc (09022015). Collection method: clinical testing. Allele origin: germline.
Comment: This sequence change affects the initiator methionine of the SMAD6 mRNA. The next in-frame methionine is located at codon 93. This variant is not present in population databases (gnomAD no frequency). Disruption of the initiator codon has been observed in individual(s) with SMAD6-related conditions (PMID: 34953066). ClinVar contains an entry for this variant (Variation ID: 1174559). In summary, the available evidence is currently insufficient to determine the role of this variant in disease. Therefore, it has been classified as a Variant of Uncertain Significance.

CeGaT Center for Human Genetics Tuebingen
Classification: Uncertain significance. Last evaluated: 2023-06-01. Review status: criteria provided, single submitter. Criteria: CeGaT Center For Human Genetics Tuebingen Variant Classification Criteria Version 2. Collection method: clinical testing. Allele origin: germline. Affected: yes. Observed: 1 variant allele.

The Laboratory of Genetics and Metabolism, Hunan Children’s Hospital
Classification: Pathogenic for Polydactyly; Radioulnar synostosis. Last evaluated: 2020-06-20. Review status: no assertion criteria provided. Collection method: research. Allele origin: paternal. Affected: yes. Not counted in ClinVar's aggregate classification.

Literature cited by the submitters: PubMed 34953066 (cited by Labcorp Genetics (formerly Invitae), Labcorp).